The following is an entry in ClinVar:

ClinVar aggregate classification (germline): Uncertain significance (1 of 4 stars; one submission).

Conditions:
Hereditary cancer-predisposing syndrome. Also called: Hereditary Cancer Syndrome; Hereditary neoplastic syndrome; Neoplastic Syndromes, Hereditary; Tumor predisposition. Identifiers: Orphanet 140162, MedGen C0027672, MeSH D009386, MONDO:0015356.

Submission:

Ambry Genetics
Classification: Uncertain significance for Hereditary cancer-predisposing syndrome. Last evaluated: 2026-04-23. Review status: criteria provided, single submitter. Criteria: Ambry Variant Classification Scheme 2023. Collection method: clinical testing. Allele origin: germline.
Comment: The p.A1141T variant (also known as c.3421G>A), located in coding exon 20 of the PTCH1 gene, results from a G to A substitution at nucleotide position 3421. The alanine at codon 1141 is replaced by threonine, an amino acid with similar properties. This amino acid position is conserved. In addition, this alteration is predicted to be deleterious by in silico analysis. Based on the available evidence, the clinical significance of this variant remains unclear.

NM_000264.5(PTCH1):c.3421G>A (p.Ala1141Thr)

Gene: PTCH1 (patched 1; minus strand). Cytogenetic location: 9q22.32.
Variant type: single nucleotide variant.
Coding change: c.3421G>A on transcript NM_000264.5 (MANE Select); coding-DNA position 3421, G replaced by A.
Protein change: p.Ala1141Thr; replaces alanine 1141 with threonine.
Molecular consequence: missense variant. On other transcripts: non-coding transcript variant (1).
Genome position (GRCh38, 1-based): chr9:95,453,506, C>T on the plus strand (G>A on the coding strand, the complement: PTCH1 is on the minus strand). VCF-style: chr9-95453506-C-T. GRCh37 (hg19) VCF-style: chr9-98215788-C-T.
Other names: c.3223G>A, p.Ala1075Thr (NM_001083602.3); c.3418G>A, p.Ala1140Thr (NM_001083603.3); c.2968G>A, p.Ala990Thr (NM_001083604.3, NM_001083605.3, NM_001083606.3 and 1 more transcripts); c.3265G>A, p.Ala1089Thr (NM_001354918.2); short protein forms A1075T, A1089T, A1141T, A1140T, A990T.
Identifiers: ClinVar variation 3784645 (VCV003784645.2).
Genomic context (GRCh38, chr9:95,453,506, plus strand): 5'-TAAAACATGTCTCCTTGCACACGCCTGCTTACCTGACAATGAAGTCGAACTCAGATCCCG[C>T]CAGCATCAGCACTCCCAGCAGAGTGGACACGGCGCCATCCAGGACGGGTGCAAACATGTG-3'
Protein context (NP_000255.2, residues 1131-1151): VSTLLGVLML[Ala1141Thr]GSEFDFIVRY